The following is an entry in ClinVar:

ClinVar aggregate classification (germline): Uncertain significance (1 of 4 stars; one submission).

Submission:

GeneDx
Classification: Uncertain significance. Last evaluated: 2020-10-09. Review status: criteria provided, single submitter. Criteria: GeneDx Variant Classification Process June 2021. Collection method: clinical testing. Allele origin: germline. Affected: yes.
Comment: In silico analysis, which includes protein predictors and evolutionary conservation, supports that this variant does not alter protein structure/function; Has not been previously published as pathogenic or benign to our knowledge; Not observed in large population cohorts (Lek et al., 2016)

NM_001377.3(DYNC2H1):c.7414T>A (p.Ser2472Thr)

Gene: DYNC2H1 (dynein cytoplasmic 2 heavy chain 1; plus strand). Cytogenetic location: 11q22.3.
Variant type: single nucleotide variant.
Coding change: c.7414T>A on transcript NM_001377.3 (MANE Select); coding-DNA position 7414, T replaced by A.
Protein change: p.Ser2472Thr; replaces serine 2472 with threonine.
Molecular consequence: missense variant.
Genome position (GRCh38, 1-based): chr11:103,189,793, T>A. VCF-style: chr11-103189793-T-A. GRCh37 (hg19) VCF-style: chr11-103060522-T-A.
Other names: c.7414T>A, p.Ser2472Thr (NM_001080463.2); short protein forms S2472T.
Identifiers: ClinVar variation 1316882 (VCV001316882.2), dbSNP rs752287365, ClinGen allele CA382253950.
Genomic context (GRCh38, chr11:103,189,793, plus strand): 5'-AAAAATCTGAAGAATCATTCTATTTGGGGTTCTTCATCAAAAATTTATCTTTTAGCAGGA[T>A]CTATGGTACAAGTGTATGAACAGGTAGATATGCATCTAAATTGTAGCTTTCATGTCTATT-3'
Protein context (NP_001368.2, residues 2462-2482): SSSKIYLLAG[Ser2472Thr]MVQVYEQVRA